The following is an entry in ClinVar:

NM_000069.3(CACNA1S):c.4339-10C>A

Gene: CACNA1S (calcium voltage-gated channel subunit alpha1 S; minus strand). Cytogenetic location: 1q32.1.
Variant type: single nucleotide variant.
Coding change: c.4339-10C>A on transcript NM_000069.3 (MANE Select); 10 bases into the intron before coding-DNA position 4339, C replaced by A.
Molecular consequence: intron variant.
Genome position (GRCh38, 1-based): chr1:201,048,694, G>T on the plus strand (C>A on the coding strand, the complement: CACNA1S is on the minus strand). VCF-style: chr1-201048694-G-T. GRCh37 (hg19) VCF-style: chr1-201017822-G-T.
Identifiers: ClinVar variation 2108387 (VCV002108387.4), dbSNP rs2464436221, ClinGen allele CA2580061867.

ClinVar aggregate classification (germline): Uncertain significance (1 of 4 stars; one submission).

Conditions:
Malignant hyperthermia, susceptibility to, 5 (MHS5). Also called: CACNA1S-Related Malignant Hyperthermia Susceptibility. Identifiers: Orphanet 423, MedGen C1866077, MONDO:0011163, OMIM 601887.
Hypokalemic periodic paralysis, type 1. Also called: HypoPP; Hypokalemic Periodic Paralysis Type 1 (AD). Identifiers: Orphanet 681, MedGen C3714580, MONDO:0042979, OMIM 170400.

Submission:

Labcorp Genetics (formerly Invitae), Labcorp
Classification: Uncertain significance for Hypokalemic periodic paralysis, type 1; Malignant hyperthermia, susceptibility to, 5. Last evaluated: 2022-03-10. Review status: criteria provided, single submitter. Criteria: Invitae Variant Classification Sherloc (09022015). Collection method: clinical testing. Allele origin: germline.
Comment: In summary, the available evidence is currently insufficient to determine the role of this variant in disease. Therefore, it has been classified as a Variant of Uncertain Significance. Algorithms developed to predict the effect of sequence changes on RNA splicing suggest that this variant may disrupt the consensus splice site. This variant has not been reported in the literature in individuals affected with CACNA1S-related conditions. This variant is not present in population databases (gnomAD no frequency). This sequence change falls in intron 35 of the CACNA1S gene. It does not directly change the encoded amino acid sequence of the CACNA1S protein.